The following is an entry in ClinVar:

NM_004366.6(CLCN2):c.2425A>G (p.Ile809Val)

Gene: CLCN2 (chloride voltage-gated channel 2; minus strand). Cytogenetic location: 3q27.1.
Variant type: single nucleotide variant.
Coding change: c.2425A>G on transcript NM_004366.6 (MANE Select); coding-DNA position 2425, A replaced by G.
Protein change: p.Ile809Val; replaces isoleucine 809 with valine.
Molecular consequence: missense variant. On other transcripts: intron variant (1).
Genome position (GRCh38, 1-based): chr3:184,347,012, T>C on the plus strand (A>G on the coding strand, the complement: CLCN2 is on the minus strand). VCF-style: chr3-184347012-T-C. GRCh37 (hg19) VCF-style: chr3-184064800-T-C.
Other names: c.2374A>G, p.Ile792Val (NM_001171087.3); c.2293A>G, p.Ile765Val (NM_001171088.3); c.2416-212A>G (NM_001171089.3); short protein forms I765V, I792V, I809V.
Identifiers: ClinVar variation 2040248 (VCV002040248.6), dbSNP rs377119457, ClinGen allele CA2733683.
Genomic context (GRCh38, chr3:184,347,012, plus strand): 5'-TTCCAATGAGTCTGCCAATACTGGTGACATAAGCATGGTCCACTCCCAGCAGTGAGAAGA[T>C]AGTGTGAGTCTGCAGTGTGGGGAGAAAAGCGATTGGACTTGATGGACGAGGGGCAGCTCT-3'
Protein context (NP_004357.3, residues 799-819): ERTSLHKTHT[Ile809Val]FSLLGVDHAY

ClinVar aggregate classification (germline): Conflicting classifications of pathogenicity. Review status: criteria provided, conflicting classifications (1 of 4 stars). 3 submissions from 3 submitters: Uncertain significance (2); Likely benign (1). Last evaluated 2024-02-12.

Conditions:
Hereditary ataxia. Also called: Hereditary Ataxias. Identifiers: Orphanet 183518, MedGen C0004138, MONDO:0100309, MONDO:0000557.
Familial hyperaldosteronism type II. Also called: FH II. Identifiers: Orphanet 404, MedGen C1854107, MONDO:0011576, OMIM 605635.
Epilepsy, idiopathic generalized, susceptibility to, 11 (EIG11). Identifiers: Orphanet 307, MedGen C2750893, MONDO:0011875, OMIM 607628.
Leukoencephalopathy with mild cerebellar ataxia and white matter edema (LKPAT). Also called: Leukoencephalopathy with white matter edema; Brain white matter edema; CLCN2-Related Leukoencephalopathy; Leukoencephalopathy with ataxia. Identifiers: Orphanet 363540, MedGen C4554120, MONDO:0014292, OMIM 615651. Disease mechanism: loss of function.

Allele frequency attached by ClinVar (database versions not stated): ExAC 0.00009; gnomAD 0.00017; TOPMed 0.00020; ESP Exome Variant Server 0.00031; gnomAD exomes 0.00035.
gnomAD v4.1: 534 of 1,613,494 alleles (0.033%); highest among the groups gnomAD compares: Non-Finnish European, 0.043%; no homozygotes.

Submissions (3):

Fulgent Genetics
Classification: Uncertain significance for Familial hyperaldosteronism type II; Epilepsy, idiopathic generalized, susceptibility to, 11; Leukoencephalopathy with mild cerebellar ataxia and white matter edema. Last evaluated: 2024-02-12. Review status: criteria provided, single submitter. Criteria: ACMG Guidelines, 2015. Collection method: clinical testing. Allele origin: germline.

Labcorp Genetics (formerly Invitae), Labcorp
Classification: Uncertain significance. Last evaluated: 2023-04-06. Review status: criteria provided, single submitter. Criteria: Invitae Variant Classification Sherloc (09022015). Collection method: clinical testing. Allele origin: germline.
Comment: This variant is present in population databases (rs377119457, gnomAD 0.02%). In summary, the available evidence is currently insufficient to determine the role of this variant in disease. Therefore, it has been classified as a Variant of Uncertain Significance. Advanced modeling of protein sequence and biophysical properties (such as structural, functional, and spatial information, amino acid conservation, physicochemical variation, residue mobility, and thermodynamic stability) performed at Invitae indicates that this missense variant is not expected to disrupt CLCN2 protein function. ClinVar contains an entry for this variant (Variation ID: 2040248). This variant has not been reported in the literature in individuals affected with CLCN2-related conditions. This sequence change replaces isoleucine, which is neutral and non-polar, with valine, which is neutral and non-polar, at codon 809 of the CLCN2 protein (p.Ile809Val).

Cambridge Genomics Laboratory, East Genomic Laboratory Hub, NHS Genomic Medicine Service
Classification: Likely benign for Hereditary ataxia. Last evaluated: 2019-10-17. Review status: criteria provided, single submitter. Criteria: ACGS Best Practice Guidelines for Variant Classification in Rare Disease 2020. Collection method: clinical testing. Allele origin: germline. Affected: yes. Observed: 1 variant allele.